The following is an entry in ClinVar:

ClinVar aggregate classification (germline): Benign (1 of 4 stars; one submission).

Submission:

Women's Health and Genetics/Laboratory Corporation of America, LabCorp
Classification: Benign. Last evaluated: 2026-06-25. Review status: criteria provided, single submitter. Criteria: LabCorp Variant Classification Summary - May 2015. Collection method: clinical testing. Allele origin: germline.
Comment: Variant summary: The variant involves the duplication of exons 1-11 in the CEL gene. A presumed nomenclature of c.(?_-23)_(*98_?)dup has been designated for the purposes of this classification. This duplication includes the entire coding sequence of the gene. As exact breakpoints are unknown, it may extend beyond the annotated region of the gene, to include other flanking genes. A large duplication which encompasses the entire CEL gene (and doesn't include flanking genes or the pseudogene CELP), was found at a frequency of 0.036 in 123942 control chromosomes in the gnomAD database (Structural Variants v4.1 dataset), including 245 homozygotes (highest subpopulation frequency, East Asian: 0.12). The observed variant frequency within control individuals in the gnomAD database exceeds the estimated maximal expected allele frequency for disease-causing variants in CEL. In addition, similar duplications have also been aggregated in the DGV Gold Standard Variants dataset at a carrier frequency of 0.0505, suggesting that similar variants are benign. The complete duplication of the CEL gene has been reported in a large case-control analysis, which found no association for chronic pancreatitis, alcohol-induced pancreatitis or pancreatic cancer for carriers of this variant (Fjeld_2020); notably, the carrier frequency of CEL duplication this study was more than three-fold higher in Chinese compared with Europeans, which is consistent with the gnomAD data. This publication also reported that CEL protein expression was similar in tissues from CEL duplication carriers and controls (Fjeld_2020). The following publication have been ascertained in the context of this evaluation (PMID: 32007358). No submitters have cited clinical-significance assessments for this variant to ClinVar. Based on the evidence outlined above, the variant was classified as benign.

Literature cited by the submitters: PubMed 32007358.

NC_000009.11:g.(?_135937367)_(135947249_?)dup

Gene: CEL (carboxyl ester lipase; plus strand). Cytogenetic location: 9q34.2.
Variant type: Duplication.
Identifiers: ClinVar variation 4887690 (VCV004887690.1).